The following is an entry in ClinVar:

NM_000218.3(KCNQ1):c.1744_1754del (p.Asp582fs)

Gene: KCNQ1 (potassium voltage-gated channel subfamily Q member 1; plus strand). Cytogenetic location: 11p15.5.
Variant type: Deletion.
Coding change: c.1744_1754del on transcript NM_000218.3 (MANE Select); coding-DNA positions 1744 to 1754, 11 bases deleted (GATCGCGGCAG).
Protein change: p.Asp582fs; shifts the reading frame from aspartic acid 582.
Molecular consequence: frameshift variant.
Genome position (GRCh38, 1-based): chr11:2,777,987-2,777,997, GATCGCGGCAG deleted; deleting any 11 consecutive bases within chr11:2,777,985-2,777,997 gives the same sequence; the c. name uses the placement nearest the transcript's 3' end. VCF-style (leftmost placement, unchanged base first): chr11-2777984-AAGGATCGCGGC-A. GRCh37 (hg19) VCF-style: chr11-2799214-AAGGATCGCGGC-A.
Other names: c.1648_1658del, p.Asp550fs (NM_001406836.1); c.1474_1484del, p.Asp492fs (NM_001406837.1); c.1204_1214del, p.Asp402fs (NM_001406838.1); c.256_266del, p.Asp86fs (NM_001406839.1); c.1363_1373del, p.Asp455fs (NM_181798.2); short protein forms D402fs, D455fs, D492fs, D550fs, D582fs, D86fs.
Identifiers: ClinVar variation 4084699 (VCV004084699.8).

ClinVar aggregate classification (germline): Likely pathogenic (1 of 4 stars; one submission).

Submission:

CeGaT Center for Human Genetics Tuebingen
Classification: Likely pathogenic. Last evaluated: 2025-11-01. Review status: criteria provided, single submitter. Criteria: CeGaT Center For Human Genetics Tuebingen Variant Classification Criteria Version 2. Collection method: clinical testing. Allele origin: germline. Affected: yes. Observed: 5 variant alleles.
Comment: KCNQ1: PVS1:Strong, PM2